The following is an entry in ClinVar:

ClinVar aggregate classification (germline): Likely pathogenic (1 of 4 stars; one submission).

Conditions:
Galactosemia. Also called: Galactose intolerance. Identifiers: Orphanet 352, MedGen C0016952, MONDO:0018116, HP:0004919. Disease mechanism: loss of function.

Submission:

Natera, Inc.
Classification: Likely pathogenic for Galactosemia. Last evaluated: 2025-07-07. Review status: criteria provided, single submitter. Criteria: Natera Variant Classification Schema (03/2026). Collection method: clinical testing. Allele origin: germline.
Comment: The c.55_65del variant in GALT is a frameshift variant predicted to shift the reading frame beginning at codon 19 and leads to a stop codon 18 codons downstream. This variant is expected to result in nonsense mediated decay, truncation, or a dysfunctional protein product. This variant is rare in the general population with a frequency below the threshold expected for the associated phenotype(s). Given the available evidence, this variant is classified as Likely Pathogenic.

NM_000155.4(GALT):c.55_65del (p.Ala19fs)

Gene: GALT (galactose-1-phosphate uridylyltransferase; plus strand). Cytogenetic location: 9p13.3.
Variant type: Deletion.
Coding change: c.55_65del on transcript NM_000155.4 (MANE Select); coding-DNA positions 55 to 65, 11 bases deleted (GCCGCAGCAGC).
Protein change: p.Ala19fs; shifts the reading frame from alanine 19.
Molecular consequence: frameshift variant. On other transcripts: 5 prime UTR variant (1).
Genome position (GRCh38, 1-based): chr9:34,646,759-34,646,769, GCCGCAGCAGC deleted; deleting any 11 consecutive bases within chr9:34,646,758-34,646,769 gives the same sequence; the c. name uses the placement nearest the transcript's 3' end. VCF-style (leftmost placement, unchanged base first): chr9-34646757-ACGCCGCAGCAG-A. GRCh37 (hg19) VCF-style: chr9-34646754-ACGCCGCAGCAG-A.
Other names: c.-148_-138del (NM_001258332.2); short protein forms A19fs.
Identifiers: ClinVar variation 4817634 (VCV004817634.1).
Genomic context (GRCh38, chr9:34,646,757, plus strand): 5'-GTGGCCTCATGTCGCGCAGTGGAACCGATCCTCAGCAACGCCAGCAGGCGTCAGAGGCGG[ACGCCGCAGCAG>A]CAACCTTCCGGGCAAACGGTAACTGCACCGCGGCAGGGACTCGCTGGGGCGCGGAGCCGA-3'